The following is an entry in ClinVar:

NM_001130009.3(GEN1):c.2223C>A (p.Asp741Glu)

Gene: GEN1 (GEN1 Holliday junction 5' flap endonuclease; plus strand). Cytogenetic location: 2p24.2.
Variant type: single nucleotide variant.
Coding change: c.2223C>A on transcript NM_001130009.3 (MANE Select); coding-DNA position 2223, C replaced by A.
Protein change: p.Asp741Glu; replaces aspartic acid 741 with glutamic acid.
Molecular consequence: missense variant.
Genome position (GRCh38, 1-based): chr2:17,781,435, C>A. VCF-style: chr2-17781435-C-A. GRCh37 (hg19) VCF-style: chr2-17962702-C-A.
Other names: c.2223C>A, p.Asp741Glu (NM_182625.5); short protein forms D741E.
Identifiers: ClinVar variation 3853613 (VCV003853613.1).

ClinVar aggregate classification (germline): Uncertain significance (1 of 4 stars; one submission).

gnomAD v4.1: 1 of 1,613,486 alleles (0.000062%); highest among the groups gnomAD compares: Non-Finnish European, 0.000085%; no homozygotes.

Submission:

Ambry Genetics
Classification: Uncertain significance. Last evaluated: 2025-03-04. Review status: criteria provided, single submitter. Criteria: Ambry Variant Classification Scheme 2023. Collection method: clinical testing. Allele origin: germline.
Comment: The p.D741E variant (also known as c.2223C>A), located in coding exon 13 of the GEN1 gene, results from a C to A substitution at nucleotide position 2223. The aspartic acid at codon 741 is replaced by glutamic acid, an amino acid with highly similar properties. This amino acid position is conserved. In addition, this alteration is predicted to be tolerated by in silico analysis. Based on the available evidence, the clinical significance of this variant remains unclear.